The following is an entry in ClinVar:

NC_000023.10:g.(31165636_31187559)_(31187719_31190464)dup

Gene: DMD (dystrophin; minus strand). Cytogenetic location: Xp21.2.
Variant type: Duplication.
Identifiers: ClinVar variation 2682184 (VCV002682184.1).

ClinVar aggregate classification (germline): Uncertain significance (1 of 4 stars; one submission).

Submission:

Women's Health and Genetics/Laboratory Corporation of America, LabCorp
Classification: Uncertain significance. Last evaluated: 2023-11-20. Review status: criteria provided, single submitter. Criteria: LabCorp Variant Classification Summary - May 2015. Collection method: clinical testing. Allele origin: germline.
Comment: Variant summary: The variant involves the duplication of exon 74 in the DMD gene. A presumed nomenclature of c.(10394+1_10395-1)_(10553+1_10554-1)dup has been designated for the purposes of this classification. It is assumed to be a tandem duplication in direct orientation (Richardson_GIM_2018, Newman_AJHG_2015). This Copy Number Variant (CNV) is predicted to result in an in-frame duplication within this gene. The variant was absent in 16120 control chromosomes. c.(10394+1_10395-1)_(10553+1_10554-1)dup has been reported in the literature in individuals affected with Dystrophinopathies. These data indicate that the variant may be associated with disease. To our knowledge, no experimental evidence demonstrating an impact on protein function has been reported. The following publication have been ascertained in the context of this evaluation (PMID: 25612904). No submitters have cited clinical-significance assessments for this variant to ClinVar after 2014. Based on the evidence outlined above, the variant was classified as VUS-possibly pathogenic.

Literature cited by the submitters: PubMed 25612904.